The following is an entry in ClinVar:

ClinVar aggregate classification (germline): Conflicting classifications of pathogenicity. Review status: criteria provided, conflicting classifications (1 of 4 stars). 8 submissions from 8 submitters: Likely pathogenic (1); Uncertain significance (5). 2 of the submissions do not count toward it. Last evaluated 2026-08-27.

Conditions:
Alstrom syndrome (ALMS). Identifiers: Orphanet 64, MedGen C0268425, MONDO:0008763, OMIM 203800.
Cardiovascular phenotype. Identifiers: MedGen CN230736.

Allele frequency attached by ClinVar (database versions not stated): gnomAD 0.00002 and 0.00003; ExAC 0.00004; TOPMed 0.00002; gnomAD exomes 0.00004 and 0.00006; 1000 Genomes Project 0.00020; 1000 Genomes Project 30x 0.00031.
gnomAD v4.1: 63 of 1,613,830 alleles (0.0039%); highest among the groups gnomAD compares: Admixed American, 0.018%; no homozygotes.

Submissions (8):

GeneDx
Classification: Uncertain significance. Last evaluated: 2026-08-27. Review status: criteria provided, single submitter. Criteria: GeneDx Variant Classification Process June 2021. Collection method: clinical testing. Allele origin: germline.
Comment: Nonsense variant predicted to result in protein truncation as the last 21 amino acid(s) are lost; Has not been previously published as pathogenic or benign to our knowledge

Ambry Genetics
Classification: Uncertain significance for Cardiovascular phenotype. Last evaluated: 2025-12-12. Review status: criteria provided, single submitter. Criteria: Ambry Variant Classification Scheme 2023. Collection method: clinical testing. Allele origin: germline.
Comment: The p.R4149* variant (also known as c.12445C>T), located in coding exon 22 of the ALMS1 gene, results from a C to T substitution at nucleotide position 12445. This changes the amino acid from an arginine to a stop codon within coding exon 22. This alteration occurs at the 3' terminus of theALMS1 gene, is not expected to trigger nonsense-mediated mRNAdecay, and only impacts the last 21 amino acids of the protein. The exact functional effect of this alteration is unknown. Since supporting evidence is limited at this time, the clinical significance of this alteration remains unclear.

Women's Health and Genetics/Laboratory Corporation of America, LabCorp
Classification: Uncertain significance. Last evaluated: 2024-08-20. Review status: criteria provided, single submitter. Criteria: LabCorp Variant Classification Summary - May 2015. Collection method: clinical testing. Allele origin: germline.
Comment: Variant summary: ALMS1 c.12439C>T (p.Arg4147X) results in a premature termination codon, predicted to cause a truncation of the encoded protein, however no downtream pathogenic variants (nonsense, missense, in-frame deletions or frameshifting) have been reported. The variant allele was found at a frequency of 5.6e-05 in 249476 control chromosomes. This frequency is not significantly higher than estimated for a pathogenic variant in ALMS1 causing Alstrom Syndrome (5.6e-05 vs 0.0014), allowing no conclusion about variant significance. To our knowledge, no occurrence of c.12439C>T in individuals affected with Alstrom Syndrome and no experimental evidence demonstrating its impact on protein function have been reported. ClinVar contains an entry for this variant (Variation ID: 552771). Based on the evidence outlined above, the variant was classified as uncertain significance.

Laboratory of Prof. Karen Avraham, Tel Aviv University
Classification: Likely pathogenic for Alstrom syndrome. Last evaluated: 2024-02-21. Review status: criteria provided, single submitter. Criteria: ACMG Guidelines, 2015. Collection method: research. Allele origin: germline. Affected: yes. Observed: 1 variant allele.
Comment: ALMS1 is a known deafness gene with other nonsense mutations known in this region

Autosomal recessive; sensoineural hearng loss, sloaping audiogram

Labcorp Genetics (formerly Invitae), Labcorp
Classification: Uncertain significance for Alstrom syndrome. Last evaluated: 2022-06-19. Review status: criteria provided, single submitter. Criteria: Invitae Variant Classification Sherloc (09022015). Collection method: clinical testing. Allele origin: germline.
Comment: This sequence change creates a premature translational stop signal (p.Arg4149*) in the ALMS1 gene. While this is not anticipated to result in nonsense mediated decay, it is expected to disrupt the last 21 amino acid(s) of the ALMS1 protein. This variant is present in population databases (rs192496253, gnomAD 0.03%). This variant has not been reported in the literature in individuals affected with ALMS1-related conditions. ClinVar contains an entry for this variant (Variation ID: 552771). In summary, the available evidence is currently insufficient to determine the role of this variant in disease. Therefore, it has been classified as a Variant of Uncertain Significance.

Fulgent Genetics
Classification: Uncertain significance for Alstrom syndrome. Last evaluated: 2021-10-27. Review status: criteria provided, single submitter. Criteria: ACMG Guidelines, 2015. Collection method: clinical testing. Allele origin: unknown.

Natera, Inc.
Classification: Uncertain significance for Alstrom syndrome. Last evaluated: 2021-06-10. Review status: no assertion criteria provided. Collection method: clinical testing. Allele origin: germline. Not counted in ClinVar's aggregate classification.

Counsyl
Classification: Uncertain significance for Alstrom syndrome. Last evaluated: 2017-07-06. Review status: no assertion criteria provided. Collection method: clinical testing. Allele origin: unknown. Not counted in ClinVar's aggregate classification.

NM_001378454.1(ALMS1):c.12442C>T (p.Arg4148Ter)

Gene: ALMS1 (ALMS1 centrosome and basal body associated protein; plus strand). Cytogenetic location: 2p13.1.
Variant type: single nucleotide variant.
Coding change: c.12442C>T on transcript NM_001378454.1 (MANE Select); coding-DNA position 12442, C replaced by T.
Protein change: p.Arg4148Ter; replaces arginine 4148 with a stop codon.
Molecular consequence: nonsense.
Genome position (GRCh38, 1-based): chr2:73,608,554, C>T. VCF-style: chr2-73608554-C-T. GRCh37 (hg19) VCF-style: chr2-73835681-C-T.
Other names: c.12445C>T, p.Arg4149Ter (NM_015120.4); short protein forms R4149*, R4148*.
Identifiers: ClinVar variation 552771 (VCV000552771.21), dbSNP rs192496253, ClinGen allele CA1715581.